The following is an entry in ClinVar:

ClinVar aggregate classification (germline): Uncertain significance (1 of 4 stars; one submission).

gnomAD v4.1: 90 of 152,312 alleles (0.059%); highest among the groups gnomAD compares: Non-Finnish European, 0.11%; no homozygotes.

Submission:

Greenwood Genetic Center Diagnostic Laboratories, Greenwood Genetic Center
Classification: Uncertain significance. Last evaluated: 2026-06-23. Review status: criteria provided, single submitter. Criteria: ACMG Guidelines, 2015. Collection method: clinical testing. Allele origin: germline.
Comment: BP4

NM_020964.3(EPG5):c.3239+325G>A

Gene: EPG5 (ectopic P-granules 5 autophagy tethering factor; minus strand). Cytogenetic location: 18q21.1.
Variant type: single nucleotide variant.
Coding change: c.3239+325G>A on transcript NM_020964.3 (MANE Select); 325 bases into the intron after coding-DNA position 3239, G replaced by A.
Molecular consequence: intron variant.
Genome position (GRCh38, 1-based): chr18:45,917,354, C>T on the plus strand (G>A on the coding strand, the complement: EPG5 is on the minus strand). VCF-style: chr18-45917354-C-T. GRCh37 (hg19) VCF-style: chr18-43497319-C-T.
Other names: c.3239+325G>A (NM_001410858.1, NM_001410859.1).
Identifiers: ClinVar variation 4891169 (VCV004891169.1).